The following is an entry in ClinVar:

ClinVar aggregate classification (germline): Uncertain significance (1 of 4 stars; one submission).

gnomAD v4.1: 1 of 1,551,408 alleles (0.000064%); highest among the groups gnomAD compares: Non-Finnish European, 0.000087%; no homozygotes.

Submission:

Labcorp Genetics (formerly Invitae), Labcorp
Classification: Uncertain significance. Last evaluated: 2020-03-07. Review status: criteria provided, single submitter. Criteria: Invitae Variant Classification Sherloc (09022015). Collection method: clinical testing. Allele origin: germline.
Comment: This sequence change replaces aspartic acid with glycine at codon 2730 of the EYS protein (p.Asp2730Gly). The aspartic acid residue is highly conserved and there is a moderate physicochemical difference between aspartic acid and glycine. This variant is not present in population databases (ExAC no frequency). This variant has not been reported in the literature in individuals with EYS-related conditions. Algorithms developed to predict the effect of missense changes on protein structure and function are either unavailable or do not agree on the potential impact of this missense change (SIFT: "Deleterious"; PolyPhen-2: "Benign"; Align-GVGD: "Class C0"). Algorithms developed to predict the effect of sequence changes on RNA splicing suggest that this variant may create or strengthen a splice site, but this prediction has not been confirmed by published transcriptional studies. In summary, the available evidence is currently insufficient to determine the role of this variant in disease. Therefore, it has been classified as a Variant of Uncertain Significance.

NM_001142800.2(EYS):c.8189A>G (p.Asp2730Gly)

Gene: EYS (EGF-like photoreceptor maintenance factor; minus strand). Cytogenetic location: 6q12.
Variant type: single nucleotide variant.
Coding change: c.8189A>G on transcript NM_001142800.2 (MANE Select); coding-DNA position 8189, A replaced by G.
Protein change: p.Asp2730Gly; replaces aspartic acid 2730 with glycine.
Molecular consequence: missense variant.
Genome position (GRCh38, 1-based): chr6:63,726,563, T>C on the plus strand (A>G on the coding strand, the complement: EYS is on the minus strand). VCF-style: chr6-63726563-T-C. GRCh37 (hg19) VCF-style: chr6-64436456-T-C.
Other names: c.8252A>G, p.Asp2751Gly (NM_001292009.2); short protein forms D2730G, D2751G.
Identifiers: ClinVar variation 934424 (VCV000934424.9), dbSNP rs1768623734, ClinGen allele CA364385897.